The following is an entry in ClinVar:

ClinVar aggregate classification (germline): Likely pathogenic (1 of 4 stars; one submission).

Conditions:
Tooth agenesis, selective, X-linked, 1 (STHAGX1). Also called: HYPODONTIA/OLIGODONTIA, X-LINKED, 1. Identifiers: Orphanet 99798, MedGen C1970757, MONDO:0010741, OMIM 313500. Disease mechanism: loss of function.

Submission:

Johns Hopkins Genomics, Johns Hopkins University
Classification: Likely pathogenic for Tooth agenesis, selective, X-linked, 1. Last evaluated: 2025-01-17. Review status: criteria provided, single submitter. Criteria: ACMG Guidelines, 2015. Collection method: clinical testing. Allele origin: germline.
Comment: This FAM126A variant is absent from a large population dataset and has not been reported in ClinVar nor the literature, to our knowledge. This frameshift variant (p.Gln59fs) in exon 4 of 11 results in a premature termination codon (PTC) likely leading to nonsense-mediated decay and lack of protein production. We consider c.175del to be likely pathogenic for autosomal recessive hypomyelination and congenital cataract.

Literature cited by the submitters: PubMed 16951682; PubMed 20301737; PubMed 21911699.

NM_032581.4(HYCC1):c.175del (p.Gln59fs)

Gene: HYCC1 (hyccin PI4KA lipid kinase complex subunit 1; minus strand). Cytogenetic location: 7p15.3.
Variant type: Deletion.
Coding change: c.175del on transcript NM_032581.4 (MANE Select); coding-DNA position 175, one base deleted (C; older notation c.175delC).
Protein change: p.Gln59fs; shifts the reading frame from glutamine 59.
Molecular consequence: frameshift variant.
Genome position (GRCh38, 1-based): chr7:22,978,427, G deleted on the plus strand (C on the coding strand, the reverse complement: HYCC1 is on the minus strand); the first of 2 consecutive G bases (chr7:22,978,427-22,978,428); deleting either gives the same sequence. VCF-style (leftmost placement, unchanged base first): chr7-22978426-TG-T. GRCh37 (hg19) VCF-style: chr7-23018045-TG-T.
Other names: c.175del, p.Gln59fs (NM_001363466.2, NM_001363467.2); short protein forms Q59fs.
Identifiers: ClinVar variation 4280124 (VCV004280124.1).